The following is an entry in ClinVar:

ClinVar aggregate classification (germline): Uncertain significance (1 of 4 stars; one submission).

Conditions:
Idiopathic Pulmonary Fibrosis. Also called: Idiopathic fibrosing alveolitis, chronic form; idiopathic fibrosing alveolitis. Identifiers: Orphanet 2032, MedGen C1800706, MeSH D054990, MONDO:0800504.
Dyskeratosis congenita, autosomal dominant 2. Identifiers: MedGen C3151443, MONDO:0013521, OMIM 613989.

Allele frequency attached by ClinVar (database versions not stated): gnomAD exomes below 0.00001.
gnomAD v4.1: 2 of 1,613,576 alleles (0.00012%); highest among the groups gnomAD compares: South Asian, 0.0011%; no homozygotes.

Submission:

Labcorp Genetics (formerly Invitae), Labcorp
Classification: Uncertain significance for Dyskeratosis congenita, autosomal dominant 2; Idiopathic Pulmonary Fibrosis. Last evaluated: 2023-11-20. Review status: criteria provided, single submitter. Criteria: Invitae Variant Classification Sherloc (09022015). Collection method: clinical testing. Allele origin: germline.
Comment: This sequence change falls in intron 3 of the TERT gene. It does not directly change the encoded amino acid sequence of the TERT protein. It affects a nucleotide within the consensus splice site. This variant is not present in population databases (gnomAD no frequency). This variant has not been reported in the literature in individuals affected with TERT-related conditions. ClinVar contains an entry for this variant (Variation ID: 953251). Variants that disrupt the consensus splice site are a relatively common cause of aberrant splicing (PMID: 17576681, 9536098). Algorithms developed to predict the effect of sequence changes on RNA splicing suggest that this variant is not likely to affect RNA splicing. In summary, the available evidence is currently insufficient to determine the role of this variant in disease. Therefore, it has been classified as a Variant of Uncertain Significance.

Literature cited by the submitters: PubMed 17576681; PubMed 9536098.

NM_198253.3(TERT):c.1769+5T>C

Gene: TERT (telomerase reverse transcriptase; minus strand). Cytogenetic location: 5p15.33.
Variant type: single nucleotide variant.
Coding change: c.1769+5T>C on transcript NM_198253.3 (MANE Select); 5 bases into the intron after coding-DNA position 1769, T replaced by C.
Molecular consequence: intron variant.
Genome position (GRCh38, 1-based): chr5:1,282,424, A>G on the plus strand (T>C on the coding strand, the complement: TERT is on the minus strand). VCF-style: chr5-1282424-A-G. GRCh37 (hg19) VCF-style: chr5-1282539-A-G.
Other names: c.1769+5T>C (NM_001193376.3).
Identifiers: ClinVar variation 953251 (VCV000953251.9), dbSNP rs1750082976, ClinGen allele CA1139658742.